The following is an entry in ClinVar:

ClinVar aggregate classification (germline): Likely benign (0 of 4 stars; one submission).

Conditions:
WDR19-related disorder. Also called: WDR19-related disorders; WDR19-related condition. Identifiers: MedGen CN380161.

Allele frequency attached by ClinVar (database versions not stated): ExAC 0.00001; gnomAD 0.00001; 1000 Genomes Project 30x 0.00016; 1000 Genomes Project 0.00020.
gnomAD v4.1: 2 of 1,611,664 alleles (0.00012%); highest among the groups gnomAD compares: East Asian, 0.0022%; no homozygotes.

Submission:

PreventionGenetics, part of Exact Sciences
Classification: Likely benign for WDR19-related condition. Last evaluated: 2019-05-13. Review status: no assertion criteria provided. Collection method: clinical testing. Allele origin: germline.
Comment: This variant is classified as likely benign based on ACMG/AMP sequence variant interpretation guidelines (Richards et al. 2015 PMID: 25741868, with internal and published modifications).

NM_025132.4(WDR19):c.1935G>A (p.Gly645=)

Gene: WDR19 (WD repeat domain 19; plus strand). Cytogenetic location: 4p14.
Variant type: single nucleotide variant.
Coding change: c.1935G>A on transcript NM_025132.4 (MANE Select); coding-DNA position 1935, G replaced by A.
Protein change: p.Gly645=; no amino-acid change (glycine 645 retained).
Molecular consequence: synonymous variant.
Genome position (GRCh38, 1-based): chr4:39,228,643, G>A. VCF-style: chr4-39228643-G-A. GRCh37 (hg19) VCF-style: chr4-39230263-G-A.
Other names: c.1455G>A, p.Gly485= (NM_001317924.2).
Identifiers: ClinVar variation 3042085 (VCV003042085.2), dbSNP rs531799088, ClinGen allele CA2891969.